The following is an entry in ClinVar:

ClinVar aggregate classification (germline): Benign (1 of 4 stars; one submission).

Conditions:
Fibrous dysplasia of jaw (CRBM). Also called: Cherubism. Identifiers: Orphanet 184, MedGen C0008029, MONDO:0007315, OMIM 118400.

Allele frequency attached by ClinVar (database versions not stated): gnomAD 0.00557 and 0.00599; 1000 Genomes Project 0.00559; 1000 Genomes Project 30x 0.00593; TOPMed 0.00612.

Submission:

Illumina Laboratory Services, Illumina
Classification: Benign for Fibrous dysplasia of jaw. Last evaluated: 2018-01-13. Review status: criteria provided, single submitter. Criteria: ICSL Variant Classification Criteria 13 December 2019. Collection method: clinical testing. Allele origin: germline.
Comment: This variant was observed in the ICSL laboratory as part of a predisposition screen in an ostensibly healthy population. It had not been previously curated by ICSL or reported in the Human Gene Mutation Database (HGMD: prior to June 1st, 2018), and was therefore a candidate for classification through an automated scoring system. Utilizing variant allele frequency, disease prevalence and penetrance estimates, and inheritance mode, an automated score was calculated to assess if this variant is too frequent to cause the disease. Based on the score and internal cut-off values, a variant classified as benign is not then subjected to further curation. The score for this variant resulted in a classification of benign for this disease.

NM_001122681.2(SH3BP2):c.*3078G>A

Gene: SH3BP2 (SH3 domain binding protein 2; plus strand). Cytogenetic location: 4p16.3.
Variant type: single nucleotide variant.
Coding change: c.*3078G>A on transcript NM_001122681.2 (MANE Select); 3078 bases downstream of the stop codon, G replaced by A.
Molecular consequence: 3 prime UTR variant.
Genome position (GRCh38, 1-based): chr4:2,836,912, G>A. VCF-style: chr4-2836912-G-A. GRCh37 (hg19) VCF-style: chr4-2838639-G-A.
Other names: c.*3078G>A (LRG_1334t2, LRG_1334t1, NM_001145855.2 and 2 more transcripts).
Identifiers: ClinVar variation 348647 (VCV000348647.5), dbSNP rs189935340, ClinGen allele CA10620944.